The following is an entry in ClinVar:

ClinVar aggregate classification (germline): Pathogenic. Review status: criteria provided, single submitter (1 of 4 stars). 2 submissions from 1 submitter: Pathogenic (1). 1 of the submissions does not count toward it. Last evaluated 2022-08-18.

Conditions:
Townes syndrome (TBS). Also called: Townes-Brocks syndrome. Identifiers: Orphanet 857, MedGen C0265246, MeSH C536974, MONDO:0007142.
Nephronophthisis 14 (NPHP14). Identifiers: Orphanet 2318, MedGen C3539071, MONDO:0013916, OMIM 614844.

Submissions (2):

Labcorp Genetics (formerly Invitae), Labcorp
Classification: Pathogenic for Townes syndrome. Last evaluated: 2022-08-18. Review status: criteria provided, single submitter. Criteria: Invitae Variant Classification Sherloc (09022015). Collection method: clinical testing. Allele origin: unknown.
Comment: For these reasons, this variant has been classified as Pathogenic. A similar copy number variant has been observed in individual(s) with Townes-Brocks syndrome (PMID: 16429401, 22308078, 25336016). A gross deletion of the genomic region encompassing the full coding sequence of the SALL1 gene has been identified. Loss-of-function variants in SALL1 are known to be pathogenic (PMID: 9973281, 12915476, 16088922, 23069192). The boundaries of this event are unknown as they extend beyond the assayed region for this gene and therefore may encompass additional genes.

Labcorp Genetics (formerly Invitae), Labcorp
Classification: Uncertain significance for Nephronophthisis 14. Last evaluated: 2022-08-18. Review status: flagged submission. Criteria: Invitae Variant Classification Sherloc (09022015). Collection method: clinical testing. Allele origin: germline. Not counted in ClinVar's aggregate classification.
Comment: In summary, the available evidence is currently insufficient to determine the role of this variant in disease. Therefore, it has been classified as a Variant of Uncertain Significance. This variant has not been reported in the literature in individuals affected with ZNF423-related conditions. A gross deletion of the genomic region encompassing the full coding sequence of the ZNF423 gene has been identified. The current clinical and genetic evidence is not sufficient to establish whether loss-of-function variants in ZNF423 cause disease. The boundaries of this event are unknown as they extend beyond the assayed region for this gene and therefore may encompass additional genes.
ClinVar note: Notes: This submission was flagged because its interpretation of this variant conflicts with the ClinGen Gene Dosage Map curation for the gene CYLD.
ClinVar note: Reason: Conflict with ClinGen Gene Dosage Map

Literature cited by the submitters: PubMed 16429401; PubMed 22308078; PubMed 25336016; PubMed 9973281; PubMed 12915476; PubMed 16088922; PubMed 23069192.

NC_000016.9:g.(?_49525186)_(51631253_?)del

Genes: ADCY7 (adenylate cyclase 7; plus strand), BRD7 (bromodomain containing 7; minus strand), CNEP1R1 (CTD nuclear envelope phosphatase 1 regulatory subunit 1; plus strand), CYLD (CYLD lysine 63 deubiquitinase; plus strand), HEATR3 (HEAT repeat containing 3; plus strand) and 6 more. Cytogenetic location: 16q12.1.
Variant type: Deletion.
Identifiers: ClinVar variation 2426048 (VCV002426048.5).